The following is an entry in ClinVar:

ClinVar aggregate classification (germline): Uncertain significance (1 of 4 stars; one submission).

Conditions:
Inborn genetic diseases. Identifiers: MedGen C0950123, MeSH D030342.

Submission:

Ambry Genetics
Classification: Uncertain significance for Inborn genetic diseases. Last evaluated: 2025-06-12. Review status: criteria provided, single submitter. Criteria: Ambry Variant Classification Scheme 2023. Collection method: clinical testing. Allele origin: germline.
Comment: The p.L1332P variant (also known as c.3995T>C), located in coding exon 1 of the SAMD9L gene, results from a T to C substitution at nucleotide position 3995. The leucine at codon 1332 is replaced by proline, an amino acid with similar properties. This amino acid position is conserved. In addition, the in silico prediction for this alteration is inconclusive. Based on the available evidence, the clinical significance of this variant remains unclear.

NM_152703.5(SAMD9L):c.3995T>C (p.Leu1332Pro)

Gene: SAMD9L (sterile alpha motif domain containing 9 like; minus strand). Cytogenetic location: 7q21.2.
Variant type: single nucleotide variant.
Coding change: c.3995T>C on transcript NM_152703.5 (MANE Select); coding-DNA position 3995, T replaced by C.
Protein change: p.Leu1332Pro; replaces leucine 1332 with proline.
Molecular consequence: missense variant.
Genome position (GRCh38, 1-based): chr7:93,131,977, A>G on the plus strand (T>C on the coding strand, the complement: SAMD9L is on the minus strand). VCF-style: chr7-93131977-A-G. GRCh37 (hg19) VCF-style: chr7-92761290-A-G.
Other names: c.3995T>C, p.Leu1332Pro (NM_001303496.3, NM_001303497.3, NM_001303498.3 and 5 more transcripts); short protein forms L1332P.
Identifiers: ClinVar variation 3950012 (VCV003950012.1).